The following is an entry in ClinVar:

ClinVar aggregate classification (germline): Uncertain significance. Review status: criteria provided, multiple submitters, no conflicts (2 of 4 stars). 2 submissions from 2 submitters: Uncertain significance (2). Last evaluated 2025-10-27.

Allele frequency attached by ClinVar (database versions not stated): gnomAD 0.00003; TOPMed 0.00007.
gnomAD v4.1: 13 of 1,613,980 alleles (0.00081%); highest among the groups gnomAD compares: Non-Finnish European, 0.0011%; no homozygotes.

Submissions (2):

Women's Health and Genetics/Laboratory Corporation of America, LabCorp
Classification: Uncertain significance. Last evaluated: 2025-10-27. Review status: criteria provided, single submitter. Criteria: LabCorp Variant Classification Summary - May 2015. Collection method: clinical testing. Allele origin: germline.
Comment: Variant summary: TTN c.2573C>G (p.Ser858Trp) results in a non-conservative amino acid change in the encoded protein sequence. Algorithms developed to predict the effect of missense changes on protein structure and function are either unavailable or do not agree on the potential impact of this missense change. The variant was absent in 251152 control chromosomes. The available data on variant occurrences in the general population are insufficient to allow any conclusion about variant significance. To our knowledge, no occurrence of c.2573C>G in individuals affected with TTN-related conditions and no experimental evidence demonstrating its impact on protein function have been reported. ClinVar contains an entry for this variant (Variation ID: 282676). Based on the evidence outlined above, the variant was classified as uncertain significance.

Eurofins Ntd Llc (ga)
Classification: Uncertain significance. Last evaluated: 2015-10-06. Review status: criteria provided, single submitter. Criteria: EGL Classification Definitions 2015. Collection method: clinical testing. Allele origin: germline. Observed: 1 variant allele, 1 heterozygote.

NM_001267550.2(TTN):c.2573C>G (p.Ser858Trp)

Gene: TTN (titin; minus strand). Cytogenetic location: 2q31.2.
Variant type: single nucleotide variant.
Coding change: c.2573C>G on transcript NM_001267550.2 (MANE Select); coding-DNA position 2573, C replaced by G.
Protein change: p.Ser858Trp; replaces serine 858 with tryptophan.
Molecular consequence: missense variant.
Genome position (GRCh38, 1-based): chr2:178,784,272, G>C on the plus strand (C>G on the coding strand, the complement: TTN is on the minus strand). VCF-style: chr2-178784272-G-C. GRCh37 (hg19) VCF-style: chr2-179648999-G-C.
Other names: c.2573C>G, p.Ser858Trp (NM_001256850.1, NM_133378.4, NM_133379.5); c.2435C>G, p.Ser812Trp (NM_003319.4, NM_133432.3, NM_133437.4); short protein forms S858W, S812W.
Identifiers: ClinVar variation 282676 (VCV000282676.6), dbSNP rs772294126, ClinGen allele CA10604264.